The following is an entry in ClinVar:

ClinVar aggregate classification (germline): Uncertain significance. Review status: criteria provided, multiple submitters, no conflicts (2 of 4 stars). 3 submissions from 3 submitters: Uncertain significance (3). Last evaluated 2025-11-25.

Conditions:
Loeys-Dietz syndrome 2 (LDS2). Also called: TGFBR2-Related Loeys-Dietz Syndrome; Marfan syndrome, type 2 (formerly); Marfan Syndrome type 2; Marfan like connective tissue disorder; MFS 2; AORTIC ANEURYSM, FAMILIAL THORACIC 3. Identifiers: Orphanet 284973, Orphanet 558, MedGen C2674574, MONDO:0012427, OMIM 610168.

Allele frequency attached by ClinVar (database versions not stated): gnomAD exomes below 0.00001; TOPMed below 0.00001; gnomAD 0.00001.
gnomAD v4.1: 2 of 1,614,054 alleles (0.00012%); highest among the groups gnomAD compares: Non-Finnish European, 0.00017%; no homozygotes.

Submissions (3):

Labcorp Genetics (formerly Invitae), Labcorp
Classification: Uncertain significance for Loeys-Dietz syndrome 2. Last evaluated: 2025-11-25. Review status: criteria provided, single submitter. Criteria: Invitae Variant Classification Sherloc (09022015). Collection method: clinical testing. Allele origin: germline.
Comment: This sequence change replaces leucine, which is neutral and non-polar, with valine, which is neutral and non-polar, at codon 403 of the TMPO protein (p.Leu403Val). This variant is not present in population databases (gnomAD no frequency). This variant has not been reported in the literature in individuals affected with TMPO-related conditions. ClinVar contains an entry for this variant (Variation ID: 432860). Invitae Evidence Modeling of protein sequence and biophysical properties (such as structural, functional, and spatial information, amino acid conservation, physicochemical variation, residue mobility, and thermodynamic stability) indicates that this missense variant is not expected to disrupt TMPO protein function with a negative predictive value of 80%. In summary, the available evidence is currently insufficient to determine the role of this variant in disease. Therefore, it has been classified as a Variant of Uncertain Significance.

Ambry Genetics
Classification: Uncertain significance. Last evaluated: 2024-02-17. Review status: criteria provided, single submitter. Criteria: Ambry Variant Classification Scheme 2023. Collection method: clinical testing. Allele origin: germline.
Comment: The p.L403V variant (also known as c.1207C>G), located in coding exon 4 of the TMPO gene, results from a C to G substitution at nucleotide position 1207. The leucine at codon 403 is replaced by valine, an amino acid with highly similar properties. This amino acid position is conserved. In addition, this alteration is predicted to be tolerated by in silico analysis. Based on the available evidence, the clinical significance of this alteration remains unclear.

GeneDx
Classification: Uncertain significance. Last evaluated: 2017-06-16. Review status: criteria provided, single submitter. Criteria: GeneDx Variant Classification (06012015). Collection method: clinical testing. Allele origin: germline. Affected: yes.
Comment: A variant of uncertain significance has been identified in the TMPO gene. The L403V variant has not been published as pathogenic or been reported as benign to our knowledge. This variant is also not observed in large population cohorts (Lek et al., 2016; 1000 Genomes Consortium et al., 2015; Exome Variant Server). However, L403V is a conservative amino acid substitution, which is not likely to impact secondary protein structure as these residues share similar properties. This substitution occurs at a position that is not conserved across species and valine (V) is the wild-type residue at this position in at least one mammalian species. Finally, in silico analysis is inconsistent in its predictions as to whether or not the variant is damaging to the protein structure/function.

NM_001032283.3(TMPO):c.565+1626C>G

Gene: TMPO (thymopoietin; plus strand). Cytogenetic location: 12q23.1.
Variant type: single nucleotide variant.
Coding change: c.565+1626C>G on transcript NM_001032283.3 (MANE Select); 1626 bases into the intron after coding-DNA position 565, C replaced by G.
Molecular consequence: intron variant. On other transcripts: missense variant (1).
Genome position (GRCh38, 1-based): chr12:98,533,464, C>G. VCF-style: chr12-98533464-C-G. GRCh37 (hg19) VCF-style: chr12-98927242-C-G.
Other names: c.1207C>G, p.Leu403Val (NM_003276.2); c.565+1626C>G (NM_001307975.2, NM_001032284.3); short protein forms L403V.
Identifiers: ClinVar variation 432860 (VCV000432860.8), dbSNP rs1555203864, ClinGen allele CA386152696.